The following is an entry in ClinVar:

ClinVar aggregate classification (germline): Likely pathogenic (1 of 4 stars; one submission).

Conditions:
Fanconi anemia complementation group G. Also called: FANCG-Related Fanconi Anemia; Fanconi anemia group G. Identifiers: Orphanet 84, MedGen C3469527, MONDO:0013565, OMIM 614082.

gnomAD v4.1: 1 of 1,612,904 alleles (0.000062%); highest among the groups gnomAD compares: Non-Finnish European, 0.000085%; no homozygotes.

Submission:

Natera, Inc.
Classification: Likely pathogenic for Fanconi anemia group G. Last evaluated: 2024-09-10. Review status: criteria provided, single submitter. Criteria: Natera Variant Classification Schema (03/2026). Collection method: clinical testing. Allele origin: germline.
Comment: The c.308-2A>G variant in FANCG is a canonical splice acceptor site variant predicted to affect pre-mRNA splicing, which may result in an abnormal transcript and altered protein product. This variant is expected to result in nonsense mediated decay, truncation, or a dysfunctional protein product. This variant is rare in the general population with a frequency below the threshold expected for the associated phenotype(s). Given the available evidence, this variant is classified as Likely Pathogenic.

NM_004629.2(FANCG):c.308-2A>G

Gene: FANCG (FA complementation group G; minus strand). Cytogenetic location: 9p13.3.
Variant type: single nucleotide variant.
Coding change: c.308-2A>G on transcript NM_004629.2 (MANE Select); the canonical splice acceptor site of the intron before coding-DNA position 308, A replaced by G.
Molecular consequence: splice acceptor variant.
Genome position (GRCh38, 1-based): chr9:35,078,345, T>C on the plus strand (A>G on the coding strand, the complement: FANCG is on the minus strand). VCF-style: chr9-35078345-T-C. GRCh37 (hg19) VCF-style: chr9-35078342-T-C.
Identifiers: ClinVar variation 4815372 (VCV004815372.1).